The following is an entry in ClinVar:

ClinVar aggregate classification (germline): Uncertain significance. Review status: criteria provided, multiple submitters, no conflicts (2 of 4 stars). 3 submissions from 3 submitters: Uncertain significance (3). Last evaluated 2025-02-06.

Conditions:
Idiopathic generalized epilepsy. Also called: Generalised epilepsy; EIG. Identifiers: MedGen C0270850, MONDO:0005579, OMIM 600669.
Epilepsy, idiopathic generalized, susceptibility to, 13. Also called: EPILEPSY, JUVENILE MYOCLONIC, SUSCEPTIBILITY TO, 5. Identifiers: Orphanet 307, Orphanet 64280, MedGen C4013473, MONDO:0012627, OMIM 611136.
Epilepsy, childhood absence 4 (ECA4). Also called: EPILEPSY, CHILDHOOD ABSENCE, SUSCEPTIBILITY TO, 4. Identifiers: Orphanet 307, MedGen C1970160.

Allele frequency attached by ClinVar (database versions not stated): ExAC 0.00001; ESP Exome Variant Server 0.00008; gnomAD exomes below 0.00001.
gnomAD v4.1: 3 of 1,614,088 alleles (0.00019%); highest among the groups gnomAD compares: Non-Finnish European, 0.00025%; no homozygotes.

Submissions (3):

Labcorp Genetics (formerly Invitae), Labcorp
Classification: Uncertain significance for Epilepsy, childhood absence 4; Epilepsy, idiopathic generalized, susceptibility to, 13; Idiopathic generalized epilepsy. Last evaluated: 2025-02-06. Review status: criteria provided, single submitter. Criteria: Invitae Variant Classification Sherloc (09022015). Collection method: clinical testing. Allele origin: germline.
Comment: This sequence change replaces threonine, which is neutral and polar, with methionine, which is neutral and non-polar, at codon 441 of the GABRA1 protein (p.Thr441Met). This variant is present in population databases (rs145217327, gnomAD 0.0009%). This variant has not been reported in the literature in individuals affected with GABRA1-related conditions. ClinVar contains an entry for this variant (Variation ID: 904230). Invitae Evidence Modeling of protein sequence and biophysical properties (such as structural, functional, and spatial information, amino acid conservation, physicochemical variation, residue mobility, and thermodynamic stability) has been performed for this missense variant. However, the output from this modeling did not meet the statistical confidence thresholds required to predict the impact of this variant on GABRA1 protein function. Experimental studies have shown that this missense change affects GABRA1 function (PMID: 27622563). In summary, the available evidence is currently insufficient to determine the role of this variant in disease. Therefore, it has been classified as a Variant of Uncertain Significance.

GeneDx
Classification: Uncertain significance. Last evaluated: 2024-02-17. Review status: criteria provided, single submitter. Criteria: GeneDx Variant Classification Process June 2021. Collection method: clinical testing. Allele origin: germline. Affected: yes.
Comment: Not observed at significant frequency in large population cohorts (gnomAD); In silico analysis supports that this missense variant does not alter protein structure/function; Has not been previously published in patients with GABRA1-related disorders to our knowledge; This variant is associated with the following publications: (PMID: 27622563)

Illumina Laboratory Services, Illumina
Classification: Uncertain significance for Epilepsy, idiopathic generalized, susceptibility to, 13. Last evaluated: 2018-01-13. Review status: criteria provided, single submitter. Criteria: ICSL Variant Classification Criteria 13 December 2019. Collection method: clinical testing. Allele origin: germline.

Literature cited by the submitters: PubMed 27622563 (cited by Labcorp Genetics (formerly Invitae), Labcorp).

NM_001127644.2(GABRA1):c.1322C>T (p.Thr441Met)

Gene: GABRA1 (gamma-aminobutyric acid type A receptor subunit alpha1; plus strand). Cytogenetic location: 5q34.
Variant type: single nucleotide variant.
Coding change: c.1322C>T on transcript NM_001127644.2 (MANE Select); coding-DNA position 1322, C replaced by T.
Protein change: p.Thr441Met; replaces threonine 441 with methionine.
Molecular consequence: missense variant.
Genome position (GRCh38, 1-based): chr5:161,897,373, C>T. VCF-style: chr5-161897373-C-T. GRCh37 (hg19) VCF-style: chr5-161324379-C-T.
Other names: c.1322C>T, p.Thr441Met (NM_000806.5, NM_001127643.2, NM_001127645.2 and 1 more transcripts); short protein forms T441M.
Identifiers: ClinVar variation 904230 (VCV000904230.6), dbSNP rs145217327, ClinGen allele CA3544609.